The following is an entry in ClinVar:

NM_020822.3(KCNT1):c.110+2523C>T

Gene: KCNT1 (potassium sodium-activated channel subfamily T member 1; plus strand). Cytogenetic location: 9q34.3.
Variant type: single nucleotide variant.
Coding change: c.110+2523C>T on transcript NM_020822.3 (MANE Select); 2523 bases into the intron after coding-DNA position 110, C replaced by T.
Molecular consequence: intron variant.
Genome position (GRCh38, 1-based): chr9:135,704,891, C>T. VCF-style: chr9-135704891-C-T. GRCh37 (hg19) VCF-style: chr9-138596737-C-T.
Other names: c.110+2523C>T (NM_001272003.2).
Identifiers: ClinVar variation 2571346 (VCV002571346.27), dbSNP rs189827247, ClinGen allele CA201464392.

ClinVar aggregate classification (germline): Likely benign (1 of 4 stars; one submission).

Allele frequency attached by ClinVar (database versions not stated): 1000 Genomes Project 0.00100; 1000 Genomes Project 30x 0.00109; gnomAD 0.00269; TOPMed 0.00272.

Submission:

CeGaT Center for Human Genetics Tuebingen
Classification: Likely benign. Last evaluated: 2023-04-01. Review status: criteria provided, single submitter. Criteria: CeGaT Center For Human Genetics Tuebingen Variant Classification Criteria Version 2. Collection method: clinical testing. Allele origin: germline. Affected: yes. Observed: 2 variant alleles.
Comment: KCNT1: BS1